The following is an entry in ClinVar:

NM_020702.5(MYORG):c.346dup (p.Arg116fs)

Gene: MYORG (myogenesis regulating glycosidase; minus strand). Cytogenetic location: 9p13.3.
Variant type: Duplication.
Coding change: c.346dup on transcript NM_020702.5 (MANE Select); coding-DNA position 346, one base duplicated (C; older notation c.346dupC).
Protein change: p.Arg116fs; shifts the reading frame from arginine 116.
Molecular consequence: frameshift variant.
Genome position (GRCh38, 1-based): chr9:34,372,598, G duplicated on the plus strand (C on the coding strand, the reverse complement: MYORG is on the minus strand); the first of 2 consecutive G bases (chr9:34,372,598-34,372,599); duplicating either gives the same sequence. VCF-style (leftmost placement, unchanged base first): chr9-34372597-C-CG. GRCh37 (hg19) VCF-style: chr9-34372595-C-CG.
Other names: c.346dupC (NM_020702.5); short protein forms R116fs.
Identifiers: ClinVar variation 4535953 (VCV004535953.1).
Genomic context (GRCh38, chr9:34,372,597, plus strand): 5'-AGCGAGCAGCCCAGCAGGGCGCCATCGCGGCTGCAGGAGTCAAGGTCCAGCGCGCCGGAG[C>CG]GGAAGGCCAGGCGGAAGACCTGCTCTCCCTTCTGATTGCGGATGGAGAAGCCGCCAGCTT-3'

ClinVar aggregate classification (germline): Pathogenic (1 of 4 stars; one submission).

Conditions:
Basal ganglia calcification, idiopathic, 7, autosomal recessive. Also called: PRIMARY FAMILIAL BRAIN CALCIFICATION 7, AUTOSOMAL RECESSIVE. Identifiers: MedGen C5193025, MONDO:0032673, OMIM 618317.

Submission:

Women's Health and Genetics/Laboratory Corporation of America, LabCorp
Classification: Pathogenic for Basal ganglia calcification, idiopathic, 7, autosomal recessive. Last evaluated: 2025-09-26. Review status: criteria provided, single submitter. Criteria: LabCorp Variant Classification Summary - May 2015. Collection method: clinical testing. Allele origin: germline.
Comment: Variant summary: MYORG c.346dupC (p.Arg116ProfsX8) results in a premature termination codon, and although it is not predicted to cause absence of the protein due to nonsense mediated decay, it is expected to resultin a truncation of the encoded protein, which is a commonly known mechanism for disease. Variants downstream of this truncation have been classified as pathogenic. The variant allele was found at a frequency of 4.4e-06 in 1603748 control chromosomes. To our knowledge, no occurrence of c.346dupC in individuals affected with MYORG-related conditions and no experimental evidence demonstrating its impact on protein function have been reported. No submitters have cited clinical-significance assessments for this variant to ClinVar. Based on the evidence outlined above, the variant was classified as pathogenic.